The following is an entry in ClinVar:

NM_001903.5(CTNNA1):c.633A>G (p.Arg211=)

Gene: CTNNA1 (catenin alpha 1; plus strand). Cytogenetic location: 5q31.2.
Variant type: single nucleotide variant.
Coding change: c.633A>G on transcript NM_001903.5 (MANE Select); coding-DNA position 633, A replaced by G.
Protein change: p.Arg211=; no amino-acid change (arginine 211 retained).
Molecular consequence: synonymous variant.
Genome position (GRCh38, 1-based): chr5:138,824,574, A>G. VCF-style: chr5-138824574-A-G. GRCh37 (hg19) VCF-style: chr5-138160263-A-G.
Other names: c.633A>G (NM_001903.2); c.633A>G, p.Arg211= (NM_001290307.3, NM_001323982.2, NM_001323983.1 and 3 more transcripts); c.324A>G, p.Arg108= (NM_001290309.3); c.264A>G, p.Arg88= (NM_001290310.3).
Identifiers: ClinVar variation 1146610 (VCV001146610.11), dbSNP rs2149775636, ClinGen allele CA446594314.

ClinVar aggregate classification (germline): Benign/Likely benign. Review status: criteria provided, multiple submitters, no conflicts (2 of 4 stars). 3 submissions from 3 submitters: Benign (1); Likely benign (2). Last evaluated 2025-06-09.

Conditions:
Hereditary cancer-predisposing syndrome. Also called: Hereditary neoplastic syndrome; Tumor predisposition; Neoplastic Syndromes, Hereditary; Hereditary Cancer Syndrome. Identifiers: Orphanet 140162, MedGen C0027672, MeSH D009386, MONDO:0015356.
Hereditary diffuse gastric adenocarcinoma (HDGC). Also called: DIFFUSE GASTRIC AND LOBULAR BREAST CANCER SYNDROME. Identifiers: Orphanet 26106, MedGen C1708349, MONDO:0007648, OMIM 137215.

Submissions (3):

Labcorp Genetics (formerly Invitae), Labcorp
Classification: Likely benign. Last evaluated: 2025-06-09. Review status: criteria provided, single submitter. Criteria: Invitae Variant Classification Sherloc (09022015). Collection method: clinical testing. Allele origin: germline.

Myriad Genetics, Inc.
Classification: Benign for Hereditary diffuse gastric adenocarcinoma. Last evaluated: 2024-10-10. Review status: criteria provided, single submitter. Criteria: Myriad Autosomal Dominant, Autosomal Recessive and X-Linked Classification Criteria (2023). Collection method: clinical testing. Allele origin: unknown.
Comment: This variant is considered benign. This variant is a silent/synonymous amino acid change and it is not expected to impact splicing.

Ambry Genetics
Classification: Likely benign for Hereditary cancer-predisposing syndrome. Last evaluated: 2023-12-22. Review status: criteria provided, single submitter. Criteria: Ambry Variant Classification Scheme 2023. Collection method: clinical testing. Allele origin: germline.